The following is an entry in ClinVar:

NM_001079.4(ZAP70):c.1467C>T (p.Asp489=)

Gene: ZAP70 (zeta chain of T cell receptor associated protein kinase 70; plus strand). Cytogenetic location: 2q11.2.
Variant type: single nucleotide variant.
Coding change: c.1467C>T on transcript NM_001079.4 (MANE Select); coding-DNA position 1467, C replaced by T.
Protein change: p.Asp489=; no amino-acid change (aspartic acid 489 retained).
Molecular consequence: synonymous variant.
Genome position (GRCh38, 1-based): chr2:97,737,650, C>T. VCF-style: chr2-97737650-C-T. GRCh37 (hg19) VCF-style: chr2-98354113-C-T.
Other names: c.1467C>T, p.Asp489= (NM_001378594.1); c.546C>T, p.Asp182= (NM_207519.2).
Identifiers: ClinVar variation 389802 (VCV000389802.18), dbSNP rs55997284, ClinGen allele CA1790463.

ClinVar aggregate classification (germline): Conflicting classifications of pathogenicity. Review status: criteria provided, conflicting classifications (1 of 4 stars). 6 submissions from 6 submitters: Uncertain significance (1); Benign (1); Likely benign (2). 2 of the submissions do not count toward it. Last evaluated 2026-02-01.

Conditions:
Combined immunodeficiency due to ZAP70 deficiency (IMD48). Also called: ZAP70 Deficiency; Immunodeficiency 48. Identifiers: Orphanet 911, MedGen C2931299, MONDO:0010023, OMIM 269840.

Allele frequency attached by ClinVar (database versions not stated): 1000 Genomes Project 30x 0.00031; gnomAD exomes 0.00082 and 0.00146; ExAC 0.00084; TOPMed 0.00088; gnomAD 0.00094 and 0.00096; 1000 Genomes Project 0.00040; ESP Exome Variant Server 0.00146.
gnomAD v4.1: 2,276 of 1,614,082 alleles (0.14%); highest among the groups gnomAD compares: Non-Finnish European, 0.17%; 5 homozygotes.

Submissions (6):

Labcorp Genetics (formerly Invitae), Labcorp
Classification: Benign for Combined immunodeficiency due to ZAP70 deficiency. Last evaluated: 2026-02-01. Review status: criteria provided, single submitter. Criteria: Invitae Variant Classification Sherloc (09022015). Collection method: clinical testing. Allele origin: germline.

Blueprint Genetics
Classification: Likely benign. Last evaluated: 2024-11-26. Review status: criteria provided, single submitter. Criteria: ACMG Guidelines, 2015. Collection method: clinical testing. Allele origin: germline.

Illumina Laboratory Services, Illumina
Classification: Uncertain significance for Combined immunodeficiency due to ZAP70 deficiency. Last evaluated: 2017-04-27. Review status: criteria provided, single submitter. Criteria: ICSL Variant Classification Criteria 13 December 2019. Collection method: clinical testing. Allele origin: germline.

GeneDx
Classification: Likely benign. Last evaluated: 2016-10-03. Review status: criteria provided, single submitter. Criteria: GeneDx Variant Classification (06012015). Collection method: clinical testing. Allele origin: germline. Affected: yes.
Comment: This variant is considered likely benign or benign based on one or more of the following criteria: it is a conservative change, it occurs at a poorly conserved position in the protein, it is predicted to be benign by multiple in silico algorithms, and/or has population frequency not consistent with disease.

Clinical Genetics DNA and cytogenetics Diagnostics Lab, Erasmus MC, Erasmus Medical Center
Classification: Likely benign. Review status: no assertion criteria provided. Collection method: clinical testing. Allele origin: germline. Affected: yes. Study: VKGL Data-share Consensus. Not counted in ClinVar's aggregate classification.

Genome Diagnostics Laboratory, University Medical Center Utrecht
Classification: Likely benign. Review status: no assertion criteria provided. Collection method: clinical testing. Allele origin: germline. Affected: yes. Study: VKGL Data-share Consensus. Not counted in ClinVar's aggregate classification.